The following is an entry in ClinVar:

NM_000059.4(BRCA2):c.3612T>C (p.Ala1204=)

Gene: BRCA2 (BRCA2 DNA repair associated; plus strand). Cytogenetic location: 13q13.1.
Variant type: single nucleotide variant.
Coding change: c.3612T>C on transcript NM_000059.4 (MANE Select); coding-DNA position 3612, T replaced by C.
Protein change: p.Ala1204=; no amino-acid change (alanine 1204 retained).
Molecular consequence: synonymous variant.
Genome position (GRCh38, 1-based): chr13:32,337,967, T>C. VCF-style: chr13-32337967-T-C. GRCh37 (hg19) VCF-style: chr13-32912104-T-C.
Identifiers: ClinVar variation 215603 (VCV000215603.26), dbSNP rs863224305, ClinGen allele CA338702.

ClinVar aggregate classification (germline): Likely benign. Review status: reviewed by expert panel (3 of 4 stars). 8 submissions from 8 submitters: Likely benign (1). 7 of the submissions do not count toward it. Last evaluated 2017-06-29.

Conditions:
BRCA2-related cancer predisposition. Identifiers: MedGen CN377758, MONDO:0700269.
Hereditary cancer-predisposing syndrome. Also called: Tumor predisposition; Hereditary Cancer Syndrome; Neoplastic Syndromes, Hereditary; Hereditary neoplastic syndrome. Identifiers: Orphanet 140162, MedGen C0027672, MeSH D009386, MONDO:0015356.
Hereditary breast ovarian cancer syndrome. Also called: Hereditary breast and/or ovarian cancer syndrome; BRCA1- and BRCA2-Associated Hereditary Breast and Ovarian Cancer; Hereditary breast and ovarian cancer; Hereditary breast and ovarian cancer syndrome (HBOC); Breast and ovarian cancer; Hereditary breast and ovarian cancer syndrome. Identifiers: Orphanet 145, MedGen C0677776, MeSH D061325, MONDO:0003582. Disease mechanism: loss of function.
Breast-ovarian cancer, familial, susceptibility to, 2 (BROVCA2). Also called: BRCA2 Hereditary Breast and Ovarian Cancer. Identifiers: Orphanet 145, MedGen C2675520, MONDO:0012933, OMIM 612555. Disease mechanism: loss of function.

Allele frequency attached by ClinVar (database versions not stated): TOPMed below 0.00001.
gnomAD v4.1: 1 of 1,613,990 alleles (0.000062%); no homozygotes.

Submissions (8):

Evidence-based Network for the Interpretation of Germline Mutant Alleles (ENIGMA)
Classification: Likely benign for Breast-ovarian cancer, familial, susceptibility to, 2. Last evaluated: 2017-06-29. Review status: reviewed by expert panel. Criteria: ENIGMA BRCA1/2 Classification Criteria (2017-06-29). Collection method: curation. Allele origin: germline.
Comment: Synonymous substitution variant, with low bioinformatic likelihood to result in a splicing aberration (Splicing prior probability 0.02).

Quest Diagnostics Nichols Institute San Juan Capistrano
Classification: Likely benign. Last evaluated: 2025-10-09. Review status: criteria provided, single submitter. Criteria: Quest Diagnostics criteria. Collection method: clinical testing. Allele origin: unknown. Not counted in ClinVar's aggregate classification.

Labcorp Genetics (formerly Invitae), Labcorp
Classification: Likely benign for Hereditary breast ovarian cancer syndrome. Last evaluated: 2025-08-24. Review status: criteria provided, single submitter. Criteria: Invitae Variant Classification Sherloc (09022015). Collection method: clinical testing. Allele origin: germline. Not counted in ClinVar's aggregate classification.

All of Us Research Program, National Institutes of Health
Classification: Likely benign for BRCA2-related cancer predisposition. Last evaluated: 2024-09-11. Review status: criteria provided, single submitter. Criteria: ACMG Guidelines, 2015. Collection method: clinical testing. Allele origin: germline. Inheritance: Autosomal dominant inheritance. Observed: 4 variant alleles, 4 heterozygotes. Not counted in ClinVar's aggregate classification.
Comment: This study involves interpretation of variants in research participants for the purpose of population health screening. Participant phenotype was not available at the time of variant classification. Additional details can be found in publication PMID: 35346344, PMCID: PMC8962531

Women's Health and Genetics/Laboratory Corporation of America, LabCorp
Classification: Likely benign. Last evaluated: 2019-11-20. Review status: criteria provided, single submitter. Criteria: LabCorp Variant Classification Summary - May 2015. Collection method: clinical testing. Allele origin: germline. Not counted in ClinVar's aggregate classification.

Ambry Genetics
Classification: Likely benign for Hereditary cancer-predisposing syndrome. Last evaluated: 2015-09-21. Review status: criteria provided, single submitter. Criteria: Ambry Variant Classification Scheme 2023. Collection method: clinical testing. Allele origin: germline. Not counted in ClinVar's aggregate classification.

Color Diagnostics, LLC DBA Color Health
Classification: Likely benign for Hereditary cancer-predisposing syndrome. Last evaluated: 2015-07-22. Review status: criteria provided, single submitter. Criteria: ACMG Guidelines, 2015. Collection method: clinical testing. Allele origin: germline. Not counted in ClinVar's aggregate classification.

Counsyl
Classification: Likely benign for Breast-ovarian cancer, familial, susceptibility to, 2. Last evaluated: 2016-04-28. Review status: no assertion criteria provided. Collection method: clinical testing. Allele origin: unknown. Not counted in ClinVar's aggregate classification.